The following is an entry in ClinVar:

NM_002354.3(EPCAM):c.739A>C (p.Thr247Pro)

Gene: EPCAM (epithelial cell adhesion molecule; plus strand). Cytogenetic location: 2p21.
Variant type: single nucleotide variant.
Coding change: c.739A>C on transcript NM_002354.3 (MANE Select); coding-DNA position 739, A replaced by C.
Protein change: p.Thr247Pro; replaces threonine 247 with proline.
Molecular consequence: missense variant.
Genome position (GRCh38, 1-based): chr2:47,379,850, A>C. VCF-style: chr2-47379850-A-C. GRCh37 (hg19) VCF-style: chr2-47606989-A-C.
Other names: short protein forms T247P.
Identifiers: ClinVar variation 219397 (VCV000219397.11), dbSNP rs147958220, ClinGen allele CA348337.
Genomic context (GRCh38, chr2:47,379,850, plus strand): 5'-CATTCTAAGAAAATGGACCTGACAGTAAATGGGGAACAACTGGATCTGGATCCTGGTCAA[A>C]CTTTAATTTATTATGTTGATGAAAAAGCACCTGAATTCTCAATGCAGGGTCTAAAAGCTG-3'
Protein context (NP_002345.2, residues 237-257): GEQLDLDPGQ[Thr247Pro]LIYYVDEKAP

ClinVar aggregate classification (germline): Uncertain significance. Review status: criteria provided, multiple submitters, no conflicts (2 of 4 stars). 2 submissions from 2 submitters: Uncertain significance (2). Last evaluated 2022-12-01.

Conditions:
Hereditary cancer-predisposing syndrome. Also called: Hereditary neoplastic syndrome; Tumor predisposition; Hereditary Cancer Syndrome; Neoplastic Syndromes, Hereditary. Identifiers: Orphanet 140162, MedGen C0027672, MeSH D009386, MONDO:0015356.

Allele frequency attached by ClinVar (database versions not stated): gnomAD 0.00001; ExAC 0.00002; gnomAD exomes 0.00002; TOPMed 0.00002; ESP Exome Variant Server 0.00015.
gnomAD v4.1: 30 of 1,614,028 alleles (0.0019%); highest among the groups gnomAD compares: Non-Finnish European, 0.0025%; no homozygotes.

Submissions (2):

Ambry Genetics
Classification: Uncertain significance for Hereditary cancer-predisposing syndrome. Last evaluated: 2022-12-01. Review status: criteria provided, single submitter. Criteria: Ambry Variant Classification Scheme 2023. Collection method: clinical testing. Allele origin: germline.

Labcorp Genetics (formerly Invitae), Labcorp
Classification: Uncertain significance. Last evaluated: 2015-07-02. Review status: criteria provided, single submitter. Criteria: Invitae Variant Classification Sherloc (09022015). Collection method: clinical testing. Allele origin: germline.
Comment: Algorithms developed to predict the effect of missense changes on protein structure and function do not agree on the potential impact of this missense change (SIFT: "tolerated"; PolyPhen-2: "Possibly Damaging"; Align-GVGD: "Class C0"). In summary, this is a novel missense change with uncertain impact on protein function. It has been classified as a Variant of Uncertain Significance. This variant has not been published in the literature but is present in population databases (rs147958220, <0.01%). This sequence change replaces threonine with proline at codon 247 of the EPCAM protein (p.Thr247Pro). The threonine residue is moderately conserved and there is a small physicochemical difference between threonine and proline.